The following is an entry in ClinVar:

ClinVar aggregate classification (germline): Uncertain significance. Review status: criteria provided, single submitter (1 of 4 stars). 2 submissions from 2 submitters: Uncertain significance (1). 1 of the submissions does not count toward it. Last evaluated 2022-06-28.

Conditions:
Retinal dystrophy. Also called: Inherited retinal dystrophy. Identifiers: Orphanet 71862, MedGen C0854723, MeSH D058499, MONDO:0019118, HP:0000556.

Allele frequency attached by ClinVar (database versions not stated): ExAC 0.00002; 1000 Genomes Project 30x 0.00016; 1000 Genomes Project 0.00020.
gnomAD v4.1: 6 of 1,614,024 alleles (0.00037%); highest among the groups gnomAD compares: East Asian, 0.0089%; no homozygotes.

Submissions (2):

Labcorp Genetics (formerly Invitae), Labcorp
Classification: Uncertain significance. Last evaluated: 2022-06-28. Review status: criteria provided, single submitter. Criteria: Invitae Variant Classification Sherloc (09022015). Collection method: clinical testing. Allele origin: germline.
Comment: This sequence change replaces alanine, which is neutral and non-polar, with serine, which is neutral and polar, at codon 1402 of the ABCA4 protein (p.Ala1402Ser). This variant is present in population databases (rs554101094, gnomAD 0.02%). This variant has not been reported in the literature in individuals affected with ABCA4-related conditions. Advanced modeling of protein sequence and biophysical properties (such as structural, functional, and spatial information, amino acid conservation, physicochemical variation, residue mobility, and thermodynamic stability) performed at Invitae indicates that this missense variant is not expected to disrupt ABCA4 protein function. In summary, the available evidence is currently insufficient to determine the role of this variant in disease. Therefore, it has been classified as a Variant of Uncertain Significance.

Institute of Human Genetics, Univ. Regensburg, Univ. Regensburg
Classification: Uncertain significance for Retinal dystrophy. Last evaluated: 2022-01-01. Review status: no assertion criteria provided. Criteria: ACMG Guidelines, 2015. Collection method: clinical testing. Allele origin: germline. Affected: yes. Not counted in ClinVar's aggregate classification.

NM_000350.3(ABCA4):c.4204G>T (p.Ala1402Ser)

Gene: ABCA4 (ATP binding cassette subfamily A member 4; minus strand). Cytogenetic location: 1p22.1.
Variant type: single nucleotide variant.
Coding change: c.4204G>T on transcript NM_000350.3 (MANE Select); coding-DNA position 4204, G replaced by T.
Protein change: p.Ala1402Ser; replaces alanine 1402 with serine.
Molecular consequence: missense variant.
Genome position (GRCh38, 1-based): chr1:94,031,045, C>A on the plus strand (G>T on the coding strand, the complement: ABCA4 is on the minus strand). VCF-style: chr1-94031045-C-A. GRCh37 (hg19) VCF-style: chr1-94496601-C-A.
Other names: c.3982G>T, p.Ala1328Ser (NM_001425324.1); short protein forms A1402S, A1328S.
Identifiers: ClinVar variation 1497679 (VCV001497679.6), dbSNP rs554101094, ClinGen allele CA957687.